The following is an entry in ClinVar:

ClinVar aggregate classification (germline): Uncertain significance (1 of 4 stars; one submission).

Allele frequency attached by ClinVar (database versions not stated): gnomAD exomes 0.00001 and 0.00004; gnomAD 0.00005 and 0.00006; ExAC 0.00006; TOPMed 0.00006; ESP Exome Variant Server 0.00008.
gnomAD v4.1: 24 of 1,613,938 alleles (0.0015%); highest among the groups gnomAD compares: African/African-American, 0.013%; no homozygotes.

Submission:

Labcorp Genetics (formerly Invitae), Labcorp
Classification: Uncertain significance. Last evaluated: 2022-10-28. Review status: criteria provided, single submitter. Criteria: Invitae Variant Classification Sherloc (09022015). Collection method: clinical testing. Allele origin: germline.
Comment: This sequence change replaces arginine with histidine at codon 1721 of the CEP250 protein (p.Arg1721His). The arginine residue is moderately conserved and there is a small physicochemical difference between arginine and histidine. This variant is present in population databases (rs375993979, gnomAD 0.03%). This variant has not been reported in the literature in individuals affected with CEP250-related conditions. ClinVar contains an entry for this variant (Variation ID: 1355088). Algorithms developed to predict the effect of missense changes on protein structure and function are either unavailable or do not agree on the potential impact of this missense change (SIFT: "Not Available"; PolyPhen-2: "Probably Damaging"; Align-GVGD: "Not Available"). In summary, the available evidence is currently insufficient to determine the role of this variant in disease. Therefore, it has been classified as a Variant of Uncertain Significance.

NM_007186.6(CEP250):c.5162G>A (p.Arg1721His)

Gene: CEP250 (centrosomal protein 250; plus strand). Cytogenetic location: 20q11.22.
Variant type: single nucleotide variant.
Coding change: c.5162G>A on transcript NM_007186.6 (MANE Select); coding-DNA position 5162, G replaced by A.
Protein change: p.Arg1721His; replaces arginine 1721 with histidine.
Molecular consequence: missense variant.
Genome position (GRCh38, 1-based): chr20:35,503,531, G>A. VCF-style: chr20-35503531-G-A. GRCh37 (hg19) VCF-style: chr20-34091359-G-A.
Other names: c.3266G>A, p.Arg1089His (NM_001318219.1); short protein forms R1089H, R1721H.
Identifiers: ClinVar variation 1355088 (VCV001355088.5), dbSNP rs375993979, ClinGen allele CA9833837.
Genomic context (GRCh38, chr20:35,503,531, plus strand): 5'-CTCAGAGGCAGCTGATGCAGGAACGGGCAGAGGAAGGGAAGGGCCCAAGTAAAGCACAGC[G>A]CGGGAGCCTAGAGCACATGAAGCTGATCCTGCGTGATAAGGAGAAGGAGGTGGAATGTCA-3'
Protein context (NP_009117.2, residues 1711-1731): EEGKGPSKAQ[Arg1721His]GSLEHMKLIL